The following is an entry in ClinVar:

Conditions:
Breast-ovarian cancer, familial, susceptibility to, 1 (BROVCA1). Also called: BRCA1 Hereditary Breast and Ovarian Cancer; OVARIAN CANCER, SUSCEPTIBILITY TO. Identifiers: Orphanet 145, MedGen C2676676, MONDO:0011450, OMIM 604370. Disease mechanism: loss of function.

Allele frequency attached by ClinVar (database versions not stated): gnomAD exomes below 0.00001.
gnomAD v4.1: 1 of 1,614,034 alleles (0.000062%); highest among the groups gnomAD compares: Non-Finnish European, 0.000085%; no homozygotes.

Submission:

Brotman Baty Institute, University of Washington
No classification provided (evidence only). Condition: Breast-ovarian cancer, familial 1. Review status: no classification provided. Collection method: in vitro. Allele origin: not applicable. Functional consequence: functionally_normal.
ClinVar note: "not provided" was previously submitted as the classification for the variant. However, the classification appeared to be based only on an observation of functional data so it was converted to no classification on 2025-07-30.

NM_007294.4(BRCA1):c.4975C>G (p.Pro1659Ala)

Gene: BRCA1 (BRCA1 DNA repair associated; minus strand). Cytogenetic location: 17q21.31.
Variant type: single nucleotide variant.
Coding change: c.4975C>G on transcript NM_007294.4 (MANE Select); coding-DNA position 4975, C replaced by G.
Protein change: p.Pro1659Ala; replaces proline 1659 with alanine.
Molecular consequence: missense variant. On other transcripts: non-coding transcript variant (1).
Genome position (GRCh38, 1-based): chr17:43,070,939, G>C on the plus strand (C>G on the coding strand, the complement: BRCA1 is on the minus strand). VCF-style: chr17-43070939-G-C. GRCh37 (hg19) VCF-style: chr17-41222956-G-C.
Other names: c.4759C>G, p.Pro1587Ala (NM_001407915.1, NM_001407916.1, NM_001407917.1 and 1 more transcripts); c.4711C>G, p.Pro1571Ala (NM_001407926.1, NM_001407920.1, NM_001407921.1 and 4 more transcripts); c.4708C>G, p.Pro1570Ala (NM_001407927.1, NM_001407928.1, NM_001407929.1 and 4 more transcripts); c.4705C>G, p.Pro1569Ala (NM_001407934.1, NM_001407935.1, NM_001407936.1); c.4831C>G, p.Pro1611Ala (NM_001407945.1, NM_001407734.1, NM_001407735.1 and 21 more transcripts); c.4642C>G, p.Pro1548Ala (NM_001407946.1, NM_001407947.1, NM_001407948.1 and 1 more transcripts); c.4639C>G, p.Pro1547Ala (NM_001407950.1, NM_001407951.1, NM_001407952.1 and 3 more transcripts); c.4468C>G, p.Pro1490Ala (NM_001407965.1); and 70 more; short protein forms P555A, P1612A, P1680A, P1659A, P1530A, P1547A, P1570A, P1616A.
Identifiers: ClinVar variation 865745 (VCV000865745.3), dbSNP rs2052357870, ClinGen allele CA10591577.